The following is an entry in ClinVar:

ClinVar aggregate classification (germline): Pathogenic (1 of 4 stars; one submission).

Conditions:
Myasthenic syndrome, congenital, 23, presynaptic. Identifiers: MedGen C4748678, MONDO:0032596, OMIM 618197.

Submission:

Women's Health and Genetics/Laboratory Corporation of America, LabCorp
Classification: Pathogenic for Myasthenic syndrome, congenital, 23, presynaptic. Last evaluated: 2026-05-05. Review status: criteria provided, single submitter. Criteria: LabCorp Variant Classification Summary - May 2015. Collection method: clinical testing. Allele origin: germline.
Comment: Variant summary: The variant involves the deletion of exons 1-9 in the SLC25A1 gene. A presumed nomenclature of c.(?_-64)_(*550_?)del has been designated for the purposes of this classification. This deletion includes the entire coding sequence of the gene. As the exact proximal and distal breakpoints are unknown, it may extend beyond the annotated region of the gene to include other flanking genes. Loss-of-function variants in this gene are known to be pathogenic. The variant was absent in 21692 control chromosomes. To our knowledge, no occurrence of c.(?_-64)_(*550_?)del in individuals affected with SLC25A1-related conditions and no experimental evidence demonstrating its impact on protein function have been reported. No submitters have cited clinical-significance assessments for this variant to ClinVar. Based on the evidence outlined above, the variant was classified as pathogenic.

NC_000022.10:g.(?_19163093)_(19166250_?)del

Gene: SLC25A1 (solute carrier family 25 member 1; minus strand). Cytogenetic location: 22q11.21.
Variant type: Deletion.
Identifiers: ClinVar variation 4853566 (VCV004853566.1).